The following is an entry in ClinVar:

NM_016042.4(EXOSC3):c.743T>C (p.Leu248Ser)

Gene: EXOSC3 (exosome component 3; minus strand). Cytogenetic location: 9p13.2.
Variant type: single nucleotide variant.
Coding change: c.743T>C on transcript NM_016042.4 (MANE Select); coding-DNA position 743, T replaced by C.
Protein change: p.Leu248Ser; replaces leucine 248 with serine.
Molecular consequence: missense variant. On other transcripts: 3 prime UTR variant (1).
Genome position (GRCh38, 1-based): chr9:37,780,764, A>G on the plus strand (T>C on the coding strand, the complement: EXOSC3 is on the minus strand). VCF-style: chr9-37780764-A-G. GRCh37 (hg19) VCF-style: chr9-37780761-A-G.
Other names: c.*96T>C (NM_001002269.2); short protein forms L248S.
Identifiers: ClinVar variation 1432342 (VCV001432342.6), dbSNP rs561283125, ClinGen allele CA5062673.

ClinVar aggregate classification (germline): Uncertain significance (1 of 4 stars; one submission).

Conditions:
Pontocerebellar hypoplasia type 1B. Also called: EXOSC3 Pontocerebellar Hypoplasia. Identifiers: Orphanet 2254, MedGen C3553449, MONDO:0013853, OMIM 614678.

Allele frequency attached by ClinVar (database versions not stated): gnomAD exomes below 0.00001; ExAC 0.00001; gnomAD 0.00001; 1000 Genomes Project 30x 0.00016; 1000 Genomes Project 0.00020.
gnomAD v4.1: 1 of 1,614,032 alleles (0.000062%); highest among the groups gnomAD compares: African/African-American, 0.0013%; no homozygotes.

Submission:

Labcorp Genetics (formerly Invitae), Labcorp
Classification: Uncertain significance for Pontocerebellar hypoplasia type 1B. Last evaluated: 2021-12-02. Review status: criteria provided, single submitter. Criteria: Invitae Variant Classification Sherloc (09022015). Collection method: clinical testing. Allele origin: germline.
Comment: In summary, the available evidence is currently insufficient to determine the role of this variant in disease. Therefore, it has been classified as a Variant of Uncertain Significance. Algorithms developed to predict the effect of missense changes on protein structure and function (SIFT, PolyPhen-2, Align-GVGD) all suggest that this variant is likely to be disruptive. This variant has not been reported in the literature in individuals affected with EXOSC3-related conditions. This variant is present in population databases (rs561283125, gnomAD 0.007%). This sequence change replaces leucine, which is neutral and non-polar, with serine, which is neutral and polar, at codon 248 of the EXOSC3 protein (p.Leu248Ser).